The following is an entry in ClinVar:

NM_006912.6(RIT1):c.237+10C>A

Gene: RIT1 (Ras like without CAAX 1; minus strand). Cytogenetic location: 1q22.
Variant type: single nucleotide variant.
Coding change: c.237+10C>A on transcript NM_006912.6 (MANE Select); 10 bases into the intron after coding-DNA position 237, C replaced by A.
Molecular consequence: intron variant.
Genome position (GRCh38, 1-based): chr1:155,904,721, G>T on the plus strand (C>A on the coding strand, the complement: RIT1 is on the minus strand). VCF-style: chr1-155904721-G-T. GRCh37 (hg19) VCF-style: chr1-155874512-G-T.
Other names: p.?; c.288+10C>A (NM_001256821.1, NM_001256821.2); c.237+10C>A (LRG_1372t1); c.129+10C>A (NM_001256820.2).
Identifiers: ClinVar variation 477768 (VCV000477768.15), dbSNP rs367785615, ClinGen allele CA1151859.

ClinVar aggregate classification (germline): Benign/Likely benign. Review status: criteria provided, multiple submitters, no conflicts (2 of 4 stars). 7 submissions from 7 submitters: Benign (2); Likely benign (5). Last evaluated 2026-01-07.

Conditions:
RIT1-related disorder. Also called: RIT1-related condition.
Noonan syndrome 8 (NS8). Identifiers: Orphanet 648, MedGen C3809233, MONDO:0014143, OMIM 615355.

Allele frequency attached by ClinVar (database versions not stated): gnomAD 0.00014 and 0.00015; ESP Exome Variant Server 0.00015; TOPMed 0.00018; gnomAD exomes 0.00034; ExAC 0.00053.
gnomAD v4.1: 473 of 1,596,316 alleles (0.03%); highest among the groups gnomAD compares: Non-Finnish European, 0.036%; 1 homozygote.

Submissions (7):

Labcorp Genetics (formerly Invitae), Labcorp
Classification: Likely benign for Noonan syndrome 8. Last evaluated: 2026-01-07. Review status: criteria provided, single submitter. Criteria: Invitae Variant Classification Sherloc (09022015). Collection method: clinical testing. Allele origin: germline.

PreventionGenetics, part of Exact Sciences
Classification: Likely benign for RIT1-related condition. Last evaluated: 2025-06-18. Review status: criteria provided, single submitter. Criteria: ACMG Guidelines, 2015. Collection method: clinical testing. Allele origin: germline.
Comment: This variant is classified as likely benign based on ACMG/AMP sequence variant interpretation guidelines (Richards et al. 2015 PMID: 25741868, with internal and published modifications).

Mayo Clinic Laboratories, Mayo Clinic
Classification: Likely benign. Last evaluated: 2025-05-12. Review status: criteria provided, single submitter. Criteria: ACMG Guidelines, 2015. Collection method: clinical testing. Allele origin: germline. Observed: 3 variant alleles.
Comment: BP4, BP7

Blueprint Genetics
Classification: Likely benign. Last evaluated: 2024-06-15. Review status: criteria provided, single submitter. Criteria: ACMG Guidelines, 2015. Collection method: clinical testing. Allele origin: germline.

Genome-Nilou Lab
Classification: Benign for Noonan syndrome 8. Last evaluated: 2023-04-11. Review status: criteria provided, single submitter. Criteria: ACMG Guidelines, 2015. Collection method: clinical testing. Allele origin: germline. Affected: no.

GeneDx
Classification: Likely benign. Last evaluated: 2017-08-08. Review status: criteria provided, single submitter. Criteria: GeneDx Variant Classification (06012015). Collection method: clinical testing. Allele origin: germline. Affected: yes.
Comment: This variant is considered likely benign or benign based on one or more of the following criteria: it is a conservative change, it occurs at a poorly conserved position in the protein, it is predicted to be benign by multiple in silico algorithms, and/or has population frequency not consistent with disease.

Women's Health and Genetics/Laboratory Corporation of America, LabCorp
Classification: Benign. Last evaluated: 2017-07-04. Review status: criteria provided, single submitter. Criteria: LabCorp Variant Classification Summary - May 2015. Collection method: clinical testing. Allele origin: germline.
Comment: Variant summary: The RIT1 c.237+10C>A variant involves the alteration of a non-conserved intronic nucleotide. Mutation taster predicts a benign outcome for this variant. 4/5 splice prediction tools predict no significant impact on normal splicing. This variant was found in 64/121326 control chromosomes (1 homozygote) from ExAC, predominantly observed in the European (Non-Finnish) subpopulation at a frequency of 0.00093 (62/66676). This frequency is about 74 times the estimated maximal expected allele frequency of a pathogenic RIT1 variant (0.0000125), suggesting this is likely a benign polymorphism found primarily in the populations of European (Non-Finnish) origin. The variant of interest has not, to our knowledge, been reported in affected individuals via publications and/or reputable databases/clinical diagnostic laboratories. Taken together, this variant is classified as benign.